The following is an entry in ClinVar:

NM_006269.2(RP1):c.220G>A (p.Val74Met)

Gene: RP1 (RP1 axonemal microtubule associated; plus strand). Cytogenetic location: 8q12.1.
Variant type: single nucleotide variant.
Coding change: c.220G>A on transcript NM_006269.2 (MANE Select); coding-DNA position 220, G replaced by A.
Protein change: p.Val74Met; replaces valine 74 with methionine.
Molecular consequence: missense variant.
Genome position (GRCh38, 1-based): chr8:54,621,186, G>A. VCF-style: chr8-54621186-G-A. GRCh37 (hg19) VCF-style: chr8-55533746-G-A.
Other names: c.220G>A, p.Val74Met (NM_001375654.1); short protein forms V74M.
Identifiers: ClinVar variation 1716926 (VCV001716926.5), dbSNP rs767544932, ClinGen allele CA370985951.

ClinVar aggregate classification (germline): Uncertain significance (1 of 4 stars; one submission).

Submission:

Labcorp Genetics (formerly Invitae), Labcorp
Classification: Uncertain significance. Last evaluated: 2022-08-19. Review status: criteria provided, single submitter. Criteria: Invitae Variant Classification Sherloc (09022015). Collection method: clinical testing. Allele origin: germline.
Comment: This sequence change replaces valine, which is neutral and non-polar, with methionine, which is neutral and non-polar, at codon 74 of the RP1 protein (p.Val74Met). This variant is not present in population databases (gnomAD no frequency). This variant has not been reported in the literature in individuals affected with RP1-related conditions. Algorithms developed to predict the effect of missense changes on protein structure and function are either unavailable or do not agree on the potential impact of this missense change (SIFT: "Deleterious"; PolyPhen-2: "Probably Damaging"; Align-GVGD: "Class C15"). In summary, the available evidence is currently insufficient to determine the role of this variant in disease. Therefore, it has been classified as a Variant of Uncertain Significance.